The following is an entry in ClinVar:

NM_000574.5(CD55):c.261G>A (p.Trp87Ter)

Gene: CD55 (CD55 molecule (Cromer blood group); plus strand). Cytogenetic location: 1q32.2.
Variant type: single nucleotide variant.
Coding change: c.261G>A on transcript NM_000574.5 (MANE Select); coding-DNA position 261, G replaced by A.
Protein change: p.Trp87Ter; replaces tryptophan 87 with a stop codon.
Molecular consequence: nonsense. On other transcripts: non-coding transcript variant (1).
Genome position (GRCh38, 1-based): chr1:207,322,542, G>A. VCF-style: chr1-207322542-G-A. GRCh37 (hg19) VCF-style: chr1-207495887-G-A.
Other names: W53*; c.261G>A, p.Trp87Ter (NM_001114752.3, NM_001300902.2, NM_001300903.2 and 1 more transcripts); short protein forms W87*.
Identifiers: ClinVar variation 16871 (VCV000016871.9), dbSNP rs121909603, ClinGen allele CA126939.

ClinVar aggregate classification (germline): Pathogenic. Review status: criteria provided, single submitter (1 of 4 stars). 2 submissions from 2 submitters: Pathogenic (1). 1 of the submissions does not count toward it. Last evaluated 2020-11-03.

Conditions:
Cromer blood group system (CROM). Also called: CROMER BLOOD GROUP SYSTEM, Inab PHENOTYPE. Identifiers: MedGen C1292305, OMIM 613793.

Submissions (2):

Labcorp Genetics (formerly Invitae), Labcorp
Classification: Pathogenic. Last evaluated: 2020-11-03. Review status: criteria provided, single submitter. Criteria: Invitae Variant Classification Sherloc (09022015). Collection method: clinical testing. Allele origin: germline.
Comment: For these reasons, this variant has been classified as Pathogenic. This variant has been reported as a Cromer blood group antigen (PMID: 7519480, 9675792), but has not been reported in individuals with CD55-related disease. This variant is also known as 314G>A and Trp53>Stop in the literature. ClinVar contains an entry for this variant (Variation ID: 16871). This variant is not present in population databases (ExAC no frequency). This sequence change creates a premature translational stop signal (p.Trp87*) in the CD55 gene. It is expected to result in an absent or disrupted protein product. Loss-of-function variants in CD55 are known to be pathogenic (PMID: 28657829, 28657861).

OMIM
Classification: Affects for CROMER BLOOD GROUP SYSTEM, Inab PHENOTYPE. Last evaluated: 2017-08-30. Review status: no assertion criteria provided. Collection method: literature only. Allele origin: germline. Not counted in ClinVar's aggregate classification.

Literature cited by the submitters: PubMed 7519480 (cited by Labcorp Genetics (formerly Invitae), Labcorp); PubMed 9675792 (cited by Labcorp Genetics (formerly Invitae), Labcorp and OMIM); PubMed 28657829 (cited by Labcorp Genetics (formerly Invitae), Labcorp and OMIM); PubMed 28657861 (cited by Labcorp Genetics (formerly Invitae), Labcorp); PubMed 7123631 (cited by OMIM); PubMed 1710232 (cited by OMIM).